The following is an entry in ClinVar:

NM_002764.4(PRPS1):c.85A>C (p.Lys29Gln)

Gene: PRPS1 (phosphoribosyl pyrophosphate synthetase 1; plus strand). Cytogenetic location: Xq22.3.
Variant type: single nucleotide variant.
Coding change: c.85A>C on transcript NM_002764.4 (MANE Select); coding-DNA position 85, A replaced by C.
Protein change: p.Lys29Gln; replaces lysine 29 with glutamine.
Molecular consequence: missense variant. On other transcripts: 5 prime UTR variant (1).
Genome position (GRCh38, 1-based): chrX:107,628,713, A>C. VCF-style: chrX-107628713-A-C. GRCh37 (hg19) VCF-style: chrX-106871943-A-C.
Other names: c.-120A>C (NM_001204402.2); short protein forms K29Q.
Identifiers: ClinVar variation 3375570 (VCV003375570.2).

ClinVar aggregate classification (germline): Uncertain significance. Review status: criteria provided, multiple submitters, no conflicts (2 of 4 stars). 2 submissions from 2 submitters: Uncertain significance (2). Last evaluated 2024-05-10.

Submissions (2):

GeneDx
Classification: Uncertain significance. Last evaluated: 2024-05-10. Review status: criteria provided, single submitter. Criteria: GeneDx Variant Classification Process June 2021. Collection method: clinical testing. Allele origin: germline. Affected: yes.
Comment: Not observed at significant frequency in large population cohorts (gnomAD); In silico analysis supports that this missense variant has a deleterious effect on protein structure/function; Has not been previously published as pathogenic or benign to our knowledge

Blueprint Genetics
Classification: Uncertain significance. Last evaluated: 2022-02-14. Review status: criteria provided, single submitter. Criteria: ACMG Guidelines, 2015. Collection method: clinical testing. Allele origin: germline.